The following is an entry in ClinVar:

NM_014423.4(AFF4):c.937G>A (p.Val313Met)

Gene: AFF4 (ALF transcription elongation factor 4; minus strand). Cytogenetic location: 5q31.1.
Variant type: single nucleotide variant.
Coding change: c.937G>A on transcript NM_014423.4 (MANE Select); coding-DNA position 937, G replaced by A.
Protein change: p.Val313Met; replaces valine 313 with methionine.
Molecular consequence: missense variant.
Genome position (GRCh38, 1-based): chr5:132,932,204, C>T on the plus strand (G>A on the coding strand, the complement: AFF4 is on the minus strand). VCF-style: chr5-132932204-C-T. GRCh37 (hg19) VCF-style: chr5-132267896-C-T.
Other names: short protein forms V313M.
Identifiers: ClinVar variation 3668605 (VCV003668605.2).

ClinVar aggregate classification (germline): Uncertain significance (1 of 4 stars; one submission).

Conditions:
Cognitive impairment - coarse facies - heart defects - obesity - pulmonary involvement - short stature - skeletal dysplasia syndrome. Also called: COGNITIVE IMPAIRMENT, COARSE FACIES, HEART DEFECTS, OBESITY, PULMONARY INVOLVEMENT, SHORT STATURE, AND SKELETAL DYSPLASIA; Chops syndrome; AFF4-Related CHOPS Syndrome. Identifiers: Orphanet 444077, MedGen C4085597, MONDO:0014609, OMIM 616368.

Submission:

Labcorp Genetics (formerly Invitae), Labcorp
Classification: Uncertain significance for Cognitive impairment - coarse facies - heart defects - obesity - pulmonary involvement - short stature - skeletal dysplasia syndrome. Last evaluated: 2024-08-26. Review status: criteria provided, single submitter. Criteria: Invitae Variant Classification Sherloc (09022015). Collection method: clinical testing. Allele origin: germline.
Comment: This sequence change replaces valine, which is neutral and non-polar, with methionine, which is neutral and non-polar, at codon 313 of the AFF4 protein (p.Val313Met). This variant is not present in population databases (gnomAD no frequency). This variant has not been reported in the literature in individuals affected with AFF4-related conditions. Invitae Evidence Modeling of protein sequence and biophysical properties (such as structural, functional, and spatial information, amino acid conservation, physicochemical variation, residue mobility, and thermodynamic stability) has been performed for this missense variant. However, the output from this modeling did not meet the statistical confidence thresholds required to predict the impact of this variant on AFF4 protein function. In summary, the available evidence is currently insufficient to determine the role of this variant in disease. Therefore, it has been classified as a Variant of Uncertain Significance.